The following is an entry in ClinVar:

NM_012123.4(MTO1):c.1178C>T (p.Ser393Phe)

Gene: MTO1 (mitochondrial tRNA translation optimization 1; plus strand). Cytogenetic location: 6q13.
Variant type: single nucleotide variant.
Coding change: c.1178C>T on transcript NM_012123.4 (MANE Select); coding-DNA position 1178, C replaced by T.
Protein change: p.Ser393Phe; replaces serine 393 with phenylalanine.
Molecular consequence: missense variant.
Genome position (GRCh38, 1-based): chr6:73,480,723, C>T. VCF-style: chr6-73480723-C-T. GRCh37 (hg19) VCF-style: chr6-74190446-C-T.
Other names: c.1178C>T, p.Ser393Phe (NM_001123226.2); c.1253C>T, p.Ser418Phe (NM_133645.3); short protein forms S393F, S418F.
Identifiers: ClinVar variation 2079161 (VCV002079161.4), dbSNP rs2533281339, ClinGen allele CA364715341.

ClinVar aggregate classification (germline): Uncertain significance (1 of 4 stars; one submission).

Conditions:
Mitochondrial hypertrophic cardiomyopathy with lactic acidosis due to MTO1 deficiency. Also called: Combined oxidative phosphorylation deficiency 10; CARDIOMYOPATHY, INFANTILE HYPERTROPHIC MITOCHONDRIAL, AND LACTIC ACIDOSIS. Identifiers: Orphanet 314637, MedGen C4749921, MONDO:0013865, OMIM 614702.

Submission:

Labcorp Genetics (formerly Invitae), Labcorp
Classification: Uncertain significance for Mitochondrial hypertrophic cardiomyopathy with lactic acidosis due to MTO1 deficiency. Last evaluated: 2022-01-11. Review status: criteria provided, single submitter. Criteria: Invitae Variant Classification Sherloc (09022015). Collection method: clinical testing. Allele origin: germline.
Comment: In summary, the available evidence is currently insufficient to determine the role of this variant in disease. Therefore, it has been classified as a Variant of Uncertain Significance. Algorithms developed to predict the effect of missense changes on protein structure and function are either unavailable or do not agree on the potential impact of this missense change (SIFT: "Deleterious"; PolyPhen-2: "Benign"; Align-GVGD: "Class C0"). This variant has not been reported in the literature in individuals affected with MTO1-related conditions. This variant is not present in population databases (gnomAD no frequency). This sequence change replaces serine, which is neutral and polar, with phenylalanine, which is neutral and non-polar, at codon 393 of the MTO1 protein (p.Ser393Phe).